The following is an entry in ClinVar:

ClinVar aggregate classification (germline): Uncertain significance. Review status: criteria provided, single submitter (1 of 4 stars). 2 submissions from 1 submitter: Uncertain significance (2). Last evaluated 2017-08-21.

Conditions:
Cardiovascular phenotype. Identifiers: MedGen CN230736.
Hereditary cancer-predisposing syndrome. Also called: Neoplastic Syndromes, Hereditary; Tumor predisposition; Hereditary Cancer Syndrome; Hereditary neoplastic syndrome. Identifiers: Orphanet 140162, MedGen C0027672, MeSH D009386, MONDO:0015356.

Submissions (2):

Ambry Genetics
Classification: Uncertain significance for Cardiovascular phenotype; Hereditary cancer-predisposing syndrome. Last evaluated: 2017-08-21. Review status: criteria provided, single submitter. Criteria: Ambry Variant Classification Scheme 2023. Collection method: clinical testing. Allele origin: germline.

Ambry Genetics
Classification: Uncertain significance for Hereditary cancer-predisposing syndrome. Last evaluated: 2016-02-02. Review status: criteria provided, single submitter. Criteria: Ambry Autosomal Dominant and X-Linked criteria (10/2015). Collection method: clinical testing. Allele origin: germline. Observed: 1 variant allele.
Comment: The p.R2424I variant (also known as c.7271G>T), located in coding exon 49 of the NF1 gene, results from a G to T substitution at nucleotide position 7271. The arginine at codon 2424 is replaced by isoleucine, an amino acid with similar properties. This variant was not reported in population based cohorts in the following databases: Database of Single Nucleotide Polymorphisms (dbSNP), NHLBI Exome Sequencing Project (ESP), and 1000 Genomes Project. In the ESP, this variant was not observed in 6503 samples (13006 alleles) with coverage at this position. To date, this alteration has been detected with an allele frequency of approximately 0.001% (greater than 110000 alleles tested) in our clinical cohort.This amino acid position is well conserved in available vertebrate species. In addition, this alteration is predicted to be tolerated by in silico analysis.Since supporting evidence is limited at this time, the clinical significance of this alterationremains unclear.

NM_001042492.3(NF1):c.7271G>T (p.Arg2424Ile)

Gene: NF1 (neurofibromin 1; plus strand). Cytogenetic location: 17q11.2.
Variant type: single nucleotide variant.
Coding change: c.7271G>T on transcript NM_001042492.3 (MANE Select); coding-DNA position 7271, G replaced by T.
Protein change: p.Arg2424Ile; replaces arginine 2424 with isoleucine.
Molecular consequence: missense variant.
Genome position (GRCh38, 1-based): chr17:31,349,201, G>T. VCF-style: chr17-31349201-G-T. GRCh37 (hg19) VCF-style: chr17-29676219-G-T.
Other names: c.7208G>T, p.Arg2403Ile (NM_000267.4); short protein forms R2403I, R2424I.
Identifiers: ClinVar variation 481896 (VCV000481896.4), dbSNP rs1555536029, ClinGen allele CA399016817.